The following is an entry in ClinVar:

ClinVar aggregate classification (germline): Pathogenic. Review status: criteria provided, multiple submitters, no conflicts (2 of 4 stars). 2 submissions from 2 submitters: Pathogenic (2). Last evaluated 2023-11-29.

Conditions:
Hereditary breast ovarian cancer syndrome. Also called: BRCA1- and BRCA2-Associated Hereditary Breast and Ovarian Cancer; Hereditary breast and ovarian cancer syndrome; Hereditary breast and ovarian cancer syndrome (HBOC); Hereditary breast and/or ovarian cancer syndrome; Breast and ovarian cancer; Hereditary breast and ovarian cancer. Identifiers: Orphanet 145, MedGen C0677776, MeSH D061325, MONDO:0003582. Disease mechanism: loss of function.

Submissions (2):

GeneDx
Classification: Pathogenic. Last evaluated: 2023-11-29. Review status: criteria provided, single submitter. Criteria: GeneDx Variant Classification Process June 2021. Collection method: clinical testing. Allele origin: germline. Affected: yes.
Comment: Frameshift variant predicted to result in protein truncation or nonsense mediated decay in a gene for which loss-of-function is a known mechanism of disease; Not observed in large population cohorts (gnomAD); Truncating variants in this gene are considered pathogenic by a well-established clinical consortium and/or database; Has not been previously published as pathogenic or benign to our knowledge; Also known as 6982delT

Labcorp Genetics (formerly Invitae), Labcorp
Classification: Pathogenic for Hereditary breast ovarian cancer syndrome. Last evaluated: 2023-07-15. Review status: criteria provided, single submitter. Criteria: Invitae Variant Classification Sherloc (09022015). Collection method: clinical testing. Allele origin: germline.
Comment: For these reasons, this variant has been classified as Pathogenic. This variant has not been reported in the literature in individuals affected with BRCA2-related conditions. This variant is not present in population databases (gnomAD no frequency). This sequence change creates a premature translational stop signal (p.Ser2252Leufs*28) in the BRCA2 gene. It is expected to result in an absent or disrupted protein product. Loss-of-function variants in BRCA2 are known to be pathogenic (PMID: 20104584).

Literature cited by the submitters: PubMed 20104584 (cited by Labcorp Genetics (formerly Invitae), Labcorp).

NM_000059.4(BRCA2):c.6754del (p.Ser2252fs)

Gene: BRCA2 (BRCA2 DNA repair associated; plus strand). Cytogenetic location: 13q13.1.
Variant type: Deletion.
Coding change: c.6754del on transcript NM_000059.4 (MANE Select); coding-DNA position 6754, one base deleted (T; older notation c.6754delT).
Protein change: p.Ser2252fs; shifts the reading frame from serine 2252.
Molecular consequence: frameshift variant. On other transcripts: non-coding transcript variant (1), intron variant (2).
Genome position (GRCh38, 1-based): chr13:32,341,109, T deleted; the last of 2 consecutive T bases (chr13:32,341,108-32,341,109); deleting either gives the same sequence. VCF-style (leftmost placement, unchanged base first): chr13-32341107-AT-A. GRCh37 (hg19) VCF-style: chr13-32915244-AT-A.
Other names: c.6754delT, p.Ser2252Leufs (NM_000059.3); c.6754del, p.Ser2252fs (NM_001406719.1, NM_001406720.1); c.1910-3449del (NM_001406721.1); c.425-3449del (NM_001406722.1); c.6754del (NM_000059.3); short protein forms S2252fs.
Identifiers: ClinVar variation 2743416 (VCV002743416.4), dbSNP rs180670511, ClinGen allele CA2697551754.